The following is an entry in ClinVar:

ClinVar aggregate classification (germline): Pathogenic (1 of 4 stars; one submission).

Conditions:
Progressive sclerosing poliodystrophy (MTDPS4A). Also called: ALPERS PROGRESSIVE INFANTILE POLIODYSTROPHY; NEURONAL DEGENERATION OF CHILDHOOD WITH LIVER DISEASE, PROGRESSIVE; Alpers Syndrome; ALPERS DIFFUSE DEGENERATION OF CEREBRAL GRAY MATTER WITH HEPATIC CIRRHOSIS; Alpers-Huttenlocher Syndrome; Mitochondrial DNA depletion syndrome 4A (Alpers type). Identifiers: Orphanet 726, MedGen C0205710, MONDO:0008758, OMIM 203700.

Submission:

Labcorp Genetics (formerly Invitae), Labcorp
Classification: Pathogenic for Progressive sclerosing poliodystrophy. Last evaluated: 2023-09-13. Review status: criteria provided, single submitter. Criteria: Invitae Variant Classification Sherloc (09022015). Collection method: clinical testing. Allele origin: germline.
Comment: This sequence change creates a premature translational stop signal (p.Trp312*) in the POLG gene. It is expected to result in an absent or disrupted protein product. Loss-of-function variants in POLG are known to be pathogenic (PMID: 18546365). This variant is not present in population databases (gnomAD no frequency). This variant has not been reported in the literature in individuals affected with POLG-related conditions. For these reasons, this variant has been classified as Pathogenic.

Literature cited by the submitters: PubMed 18546365.

NM_002693.3(POLG):c.935G>A (p.Trp312Ter)

Gene: POLG (DNA polymerase gamma, catalytic subunit; minus strand). Cytogenetic location: 15q26.1.
Variant type: single nucleotide variant.
Coding change: c.935G>A on transcript NM_002693.3 (MANE Select); coding-DNA position 935, G replaced by A.
Protein change: p.Trp312Ter; replaces tryptophan 312 with a stop codon.
Molecular consequence: nonsense.
Genome position (GRCh38, 1-based): chr15:89,329,031, C>T on the plus strand (G>A on the coding strand, the complement: POLG is on the minus strand). VCF-style: chr15-89329031-C-T. GRCh37 (hg19) VCF-style: chr15-89872262-C-T.
Other names: c.935G>A, p.Trp312Ter (NM_001126131.2); short protein forms W312*.
Identifiers: ClinVar variation 2760537 (VCV002760537.3), dbSNP rs2509262236, ClinGen allele CA393765727.